The following is an entry in ClinVar:

ClinVar aggregate classification (germline): Likely benign (1 of 4 stars; one submission).

Conditions:
Progressive sclerosing poliodystrophy (MTDPS4A). Also called: Alpers-Huttenlocher Syndrome (AHS); Alpers Syndrome; ALPERS PROGRESSIVE INFANTILE POLIODYSTROPHY; Mitochondrial DNA depletion syndrome 4A (Alpers type); ALPERS DIFFUSE DEGENERATION OF CEREBRAL GRAY MATTER WITH HEPATIC CIRRHOSIS; Alpers-Huttenlocher Syndrome. Identifiers: Orphanet 726, MedGen C0205710, MONDO:0008758, OMIM 203700.

Submission:

Wong Mito Lab, Molecular and Human Genetics, Baylor College of Medicine
Classification: Likely benign for Progressive sclerosing poliodystrophy. Last evaluated: 2018-10-01. Review status: criteria provided, single submitter. Criteria: ACMG Guidelines, 2015. Collection method: clinical testing. Allele origin: germline.
Comment: The NM_002693.2:c.133_134insGGC (NP_002684.1:p.Gln44_Gln45insArg) [GRCH38: NC_000015.10:g.89333623_89333624insCGC] variant in POLG gene is interpretated to be a Likely Benign based on ACMG guidelines (PMID: 25741868). This variant meets the following evidence codes reported in the ACMG-guideline. BS2:Observation of the variant in controls is inconsistent with penetrance of Mitochondrial DNA depletion syndrome 4A (Alpers type). BP2:The variant is observed in trans/cis with a dominant variant. BP3:This variant results in inframe indel in repeats without known function. Based on the evidence criteria codes applied, the variant is suggested to be Likely Benign.

NM_002693.3(POLG):c.133_134insGGC (p.Gln44_Gln45insArg)

Genes: POLG (DNA polymerase gamma, catalytic subunit; minus strand), POLGARF (POLG alternative reading frame; minus strand). Cytogenetic location: 15q26.1.
Variant type: Insertion.
Coding change: c.133_134insGGC on transcript NM_002693.3 (MANE Select); coding-DNA positions 133 to 134, GGC inserted.
Protein change: p.Gln44_Gln45insArg.
Molecular consequence: inframe insertion.
Genome position: GRCh38 VCF-style: chr15-89333621-T-TGCC. GRCh37 (hg19) VCF-style: chr15-89876852-T-TGCC.
Other names: c.133_134insGGC, p.Gln44_Gln45insArg (NM_001126131.2).
Identifiers: ClinVar variation 619409 (VCV000619409.1), dbSNP rs1567194472, ClinGen allele CA10602188.
Genomic context (GRCh38, chr15:89,333,621, plus strand): 5'-TCCGAGGATAGCACTTGCGGCTGCTGAGGCTGCTGTTGCTGCTGCTGCTGCTGCTGCTGC[T>TGCC]GCTGCTGCCGCCGCCGCTGCCCGTCGCTGGGGTCGGACGCGGGGACGGAGCTGGAGACCC-3'